The following is an entry in ClinVar:

NM_000132.4(F8):c.6403C>T (p.Arg2135Ter)

Gene: F8 (coagulation factor VIII; minus strand). Cytogenetic location: Xq28.
Variant type: single nucleotide variant.
Coding change: c.6403C>T on transcript NM_000132.4 (MANE Select); coding-DNA position 6403, C replaced by T.
Protein change: p.Arg2135Ter; replaces arginine 2135 with a stop codon.
Molecular consequence: nonsense.
Genome position (GRCh38, 1-based): chrX:154,896,103, G>A on the plus strand (C>T on the coding strand, the complement: F8 is on the minus strand). VCF-style: chrX-154896103-G-A. GRCh37 (hg19) VCF-style: chrX-154124378-G-A.
Other names: F8, ARG2116TER; R2116*; p.Arg2135*; short protein forms R2135*.
Identifiers: ClinVar variation 10088 (VCV000010088.16), dbSNP rs137852356, ClinGen allele CA255011.

ClinVar aggregate classification (germline): Pathogenic. Review status: criteria provided, multiple submitters, no conflicts (2 of 4 stars). 6 submissions from 6 submitters: Pathogenic (5). 1 of the submissions does not count toward it. Last evaluated 2025-05-26.

Conditions:
Hereditary factor VIII deficiency disease (HEMA). Also called: HEMOPHILIA, CLASSIC; AUTOSOMAL HEMOPHILIA A; Hemophilia A; Hemophilia A, congenital; HEM A; Factor 8 deficiency, congenital. Identifiers: Orphanet 98878, MedGen C0019069, MONDO:0010602, OMIM 306700.

Submissions (6):

Women's Health and Genetics/Laboratory Corporation of America, LabCorp
Classification: Pathogenic for Hereditary factor VIII deficiency disease. Last evaluated: 2025-05-26. Review status: criteria provided, single submitter. Criteria: LabCorp Variant Classification Summary - May 2015. Collection method: clinical testing. Allele origin: germline.
Comment: Variant summary: F8 c.6403C>T (p.Arg2135X) results in a premature termination codon, predicted to cause a truncation of the encoded protein or absence of the protein due to nonsense mediated decay, which are commonly known mechanisms for disease. The variant was absent in 183113 control chromosomes. c.6403C>T has been observed in individual(s) affected with Factor VIII Deficiency (Hemophilia A) (example: Tavassoli_1997). These data indicate that the variant may be associated with disease. ClinVar contains an entry for this variant (Variation ID: 10088). The following publication has been ascertained in the context of this evaluation (PMID: 9341862). Based on the evidence outlined above, the variant was classified as pathogenic.

Mayo Clinic Laboratories, Mayo Clinic
Classification: Pathogenic. Last evaluated: 2025-04-18. Review status: criteria provided, single submitter. Criteria: ACMG Guidelines, 2015. Collection method: clinical testing. Allele origin: germline. Observed: 2 variant alleles.
Comment: PM2_supporting, PS4_very_strong, PVS1

Myriad Genetics, Inc.
Classification: Pathogenic for Hereditary factor VIII deficiency disease. Last evaluated: 2024-07-17. Review status: criteria provided, single submitter. Criteria: Myriad Autosomal Dominant, Autosomal Recessive and X-Linked Classification Criteria (2023). Collection method: clinical testing. Allele origin: unknown.
Comment: NM_000132.3(F8):c.6403C>T(R2135*) is expected to be pathogenic in the context of hemophilia A. This variant is predicted to lead to an abnormal or absent protein product due to the creation of a premature termination codon in F8, a gene where loss-of-function variants are known to be pathogenic. Please note: this variant was assessed in the context of healthy population screening.

GeneDx
Classification: Pathogenic. Last evaluated: 2023-06-23. Review status: criteria provided, single submitter. Criteria: GeneDx Variant Classification Process June 2021. Collection method: clinical testing. Allele origin: germline. Affected: yes.
Comment: Nonsense variant predicted to result in protein truncation or nonsense mediated decay in a gene for which loss of function is a known mechanism of disease; Not observed at significant frequency in large population cohorts (gnomAD); This variant is associated with the following publications: (PMID: 25525159, 24602271, 20331753, 3097553, 33706050, 29381227, 32897612, 35014236, 29296726)

ARUP Laboratories, Molecular Genetics and Genomics, ARUP Laboratories
Classification: Pathogenic for Hereditary factor VIII deficiency disease. Last evaluated: 2021-11-11. Review status: criteria provided, single submitter. Criteria: ARUP Molecular Germline Variant Investigation Process 2021. Collection method: clinical testing. Allele origin: germline.
Comment: The F8 c.6403C>T; p.Arg2135Ter variant (rs137852356), also known as Arg2116Ter, has been reported in multiple patients diagnosed with severe hemophilia A (see link to Factor VIII database, Higuchi 1989, Jayandharan 2009, Millar 1991, Tavasolli 1997, Wang 2010, Yousouffian 1986). This variant is also reported in ClinVar (Variation ID: 10088), but is absent from the Genome Aggregation Database, indicating it is not a common polymorphism. This variant induces an early termination codon and is predicted to result in a truncated protein or mRNA subject to nonsense-mediated decay. Based on available information, this variant is considered to be pathogenic. References: Factor VIII variant database: Higuchi M et al. Molecular defects in hemophilia A: identification and characterization of mutations in the factor VIII gene and family analysis. Blood. 1989 Aug 15;74(3):1045-51. PMID: 2473810. Jayandharan G et al.Polymorphism in factor VII gene modifies phenotype of severe haemophilia. Haemophilia. 2009 Nov;15(6):1228-36. PMID: 19686262. Millar D et al. The molecular genetics of haemophilia A: screening for point mutations in the factor VIII gene using the restriction enzyme TaqI. Hum Genet. 1991 Sep;87(5):607-12. PMID: 1840568. Tavassoli K et al. Mutational analysis of ectopic factor VIII transcripts from hemophilia A patients: identification of cryptic splice site, exon skipping and novel point mutations. Hum Genet. 1997 Oct;100(5-6):508-11. PMID: 9341862. Wang X et al. The prevalence of factor VIII inhibitors and genetic aspects of inhibitor development in Chinese patients with haemophilia A. Haemophilia. 2010 Jul 1;16(4):632-9. PMID: 20331753. Youssoufian H et al. Recurrent mutations in haemophilia A give evidence for CpG mutation hotspots. Nature. 1986 Nov 27-Dec 3;324(6095):380-2. PMID: 3097553.

OMIM
Classification: Pathogenic for HEMOPHILIA A. Last evaluated: 1986-11-27. Review status: no assertion criteria provided. Collection method: literature only. Allele origin: germline. Not counted in ClinVar's aggregate classification.

Literature cited by the submitters: PubMed 9341862 (cited by Women's Health and Genetics/Laboratory Corporation of America, LabCorp); PubMed 20331753 (cited by Mayo Clinic Laboratories, Mayo Clinic); PubMed 20533009 (cited by Mayo Clinic Laboratories, Mayo Clinic); PubMed 32166871 (cited by Mayo Clinic Laboratories, Mayo Clinic); PubMed 32897612 (cited by Mayo Clinic Laboratories, Mayo Clinic); PubMed 35014236 (cited by Mayo Clinic Laboratories, Mayo Clinic); PubMed 38196513 (cited by Mayo Clinic Laboratories, Mayo Clinic); PubMed 39125936 (cited by Mayo Clinic Laboratories, Mayo Clinic); PubMed 8644728 (cited by Mayo Clinic Laboratories, Mayo Clinic); PubMed 3097553 (cited by OMIM).